The following is an entry in ClinVar:

NM_018668.5(VPS33B):c.1714T>G (p.Phe572Val)

Gene: VPS33B (VPS33B late endosome and lysosome associated; minus strand). Cytogenetic location: 15q26.1.
Variant type: single nucleotide variant.
Coding change: c.1714T>G on transcript NM_018668.5 (MANE Select); coding-DNA position 1714, T replaced by G.
Protein change: p.Phe572Val; replaces phenylalanine 572 with valine.
Molecular consequence: missense variant.
Genome position (GRCh38, 1-based): chr15:90,999,737, A>C on the plus strand (T>G on the coding strand, the complement: VPS33B is on the minus strand). VCF-style: chr15-90999737-A-C. GRCh37 (hg19) VCF-style: chr15-91542967-A-C.
Other names: p.Phe572Val; c.1633T>G, p.Phe545Val (NM_001289148.1); c.1441T>G, p.Phe481Val (NM_001289149.1); short protein forms F572V, F545V, F481V.
Identifiers: ClinVar variation 286121 (VCV000286121.19), dbSNP rs145092724, ClinGen allele CA7744533.

ClinVar aggregate classification (germline): Conflicting classifications of pathogenicity. Review status: criteria provided, conflicting classifications (1 of 4 stars). 5 submissions from 5 submitters: Uncertain significance (2); Likely benign (2). 1 of the submissions does not count toward it. Last evaluated 2025-12-03.

Conditions:
VPS33B-related disorder. Also called: VPS33B-related condition.

Allele frequency attached by ClinVar (database versions not stated): gnomAD exomes 0.00008 and 0.00020; 1000 Genomes Project 30x 0.00047; gnomAD 0.00073 and 0.00079; ESP Exome Variant Server 0.00092; TOPMed 0.00092; ExAC 0.00026; 1000 Genomes Project 0.00040.
gnomAD v4.1: 227 of 1,614,044 alleles (0.014%); highest among the groups gnomAD compares: African/African-American, 0.27%; no homozygotes.

Submissions (5):

Women's Health and Genetics/Laboratory Corporation of America, LabCorp
Classification: Likely benign. Last evaluated: 2025-12-03. Review status: criteria provided, single submitter. Criteria: LabCorp Variant Classification Summary - May 2015. Collection method: clinical testing. Allele origin: germline.
Comment: Variant summary: VPS33B c.1714T>G (p.Phe572Val) results in a non-conservative amino acid change in the encoded protein sequence. Algorithms developed to predict the effect of missense changes on protein structure and function all suggest that this variant is likely to be disruptive. The variant allele was found at a frequency of 0.0002 in 251488 control chromosomes, predominantly at a frequency of 0.0029 within the African or African-American subpopulation in the gnomAD database. The observed variant frequency within African or African-American control individuals in the gnomAD database exceeds the estimated maximal expected allele frequency for disease-causing variants in VPS33B. c.1714T>G has been reported in the literature in at least one compound heterozygous individual affected with Arthrogryposis-renal dysfunction-cholestasis syndrome (e.g. Almes_2022). These data do not provide sufficient evidence to allow any conclusion about variant significance. To our knowledge, no experimental evidence demonstrating an impact on protein function has been reported. The following publication has been ascertained in the context of this evaluation (PMID: 35626323). ClinVar contains an entry for this variant (Variation ID: 286121). Based on the evidence outlined above, the variant was classified as likely benign.

Labcorp Genetics (formerly Invitae), Labcorp
Classification: Likely benign. Last evaluated: 2025-09-10. Review status: criteria provided, single submitter. Criteria: Invitae Variant Classification Sherloc (09022015). Collection method: clinical testing. Allele origin: germline.

Mayo Clinic Laboratories, Mayo Clinic
Classification: Uncertain significance. Last evaluated: 2025-09-09. Review status: criteria provided, single submitter. Criteria: ACMG Guidelines, 2015. Collection method: clinical testing. Allele origin: germline. Observed: 3 variant alleles.
Comment: BS1

Eurofins Ntd Llc (ga)
Classification: Uncertain significance. Last evaluated: 2018-07-05. Review status: criteria provided, single submitter. Criteria: EGL ClinVar v180209 classification definitions. Collection method: clinical testing. Allele origin: germline. Observed: 9 variant alleles, 9 heterozygotes.

PreventionGenetics, part of Exact Sciences
Classification: Likely benign for VPS33B-related condition. Last evaluated: 2022-02-09. Review status: no assertion criteria provided. Collection method: clinical testing. Allele origin: germline. Not counted in ClinVar's aggregate classification.
Comment: This variant is classified as likely benign based on ACMG/AMP sequence variant interpretation guidelines (Richards et al. 2015 PMID: 25741868, with internal and published modifications).

Literature cited by the submitters: PubMed 35626323 (cited by Women's Health and Genetics/Laboratory Corporation of America, LabCorp and Mayo Clinic Laboratories, Mayo Clinic).